The following is an entry in ClinVar:

ClinVar aggregate classification (germline): Uncertain significance (1 of 4 stars; one submission).

Allele frequency attached by ClinVar (database versions not stated): gnomAD 0.00001; gnomAD exomes 0.00001; TOPMed 0.00003.
gnomAD v4.1: 6 of 1,613,546 alleles (0.00037%); highest among the groups gnomAD compares: Admixed American, 0.005%; no homozygotes.

Submission:

Labcorp Genetics (formerly Invitae), Labcorp
Classification: Uncertain significance. Last evaluated: 2024-07-30. Review status: criteria provided, single submitter. Criteria: Invitae Variant Classification Sherloc (09022015). Collection method: clinical testing. Allele origin: germline.
Comment: This sequence change replaces leucine, which is neutral and non-polar, with phenylalanine, which is neutral and non-polar, at codon 229 of the MYO6 protein (p.Leu229Phe). This variant is not present in population databases (gnomAD no frequency). This variant has not been reported in the literature in individuals affected with MYO6-related conditions. ClinVar contains an entry for this variant (Variation ID: 1035554). Advanced modeling of protein sequence and biophysical properties (such as structural, functional, and spatial information, amino acid conservation, physicochemical variation, residue mobility, and thermodynamic stability) performed at Invitae indicates that this missense variant is expected to disrupt MYO6 protein function with a positive predictive value of 80%. In summary, the available evidence is currently insufficient to determine the role of this variant in disease. Therefore, it has been classified as a Variant of Uncertain Significance.

NM_004999.4(MYO6):c.685C>T (p.Leu229Phe)

Gene: MYO6 (myosin VI; plus strand). Cytogenetic location: 6q14.1.
Variant type: single nucleotide variant.
Coding change: c.685C>T on transcript NM_004999.4 (MANE Select); coding-DNA position 685, C replaced by T.
Protein change: p.Leu229Phe; replaces leucine 229 with phenylalanine.
Molecular consequence: missense variant. On other transcripts: non-coding transcript variant (2).
Genome position (GRCh38, 1-based): chr6:75,841,247, C>T. VCF-style: chr6-75841247-C-T. GRCh37 (hg19) VCF-style: chr6-76550964-C-T.
Other names: c.685C>T, p.Leu229Phe (NM_001300899.2, NM_001368136.1, NM_001368137.1 and 4 more transcripts); c.670C>T, p.Leu224Phe (NM_001368138.1); short protein forms L224F, L229F.
Identifiers: ClinVar variation 1035554 (VCV001035554.7), dbSNP rs1301010120, ClinGen allele CA364771930.